The following is an entry in ClinVar:

ClinVar aggregate classification (germline): Uncertain significance (1 of 4 stars; one submission).

Conditions:
Ehlers-Danlos syndrome, classic type, 1 (EDSCL1). Also called: EHLERS-DANLOS SYNDROME, GRAVIS TYPE; EHLERS-DANLOS SYNDROME, SEVERE CLASSIC TYPE; Ehlers-Danlos syndrome, type 1; Ehlers-Danlos Syndrome, Classic Type, COL5A1-Related; EDS I. Identifiers: MedGen C0268335, MONDO:0019567, OMIM 130000.

Submission:

Labcorp Genetics (formerly Invitae), Labcorp
Classification: Uncertain significance for Ehlers-Danlos syndrome, classic type, 1. Last evaluated: 2025-11-01. Review status: criteria provided, single submitter. Criteria: Invitae Variant Classification Sherloc (09022015). Collection method: clinical testing. Allele origin: germline.
Comment: This sequence change replaces proline, which is neutral and non-polar, with leucine, which is neutral and non-polar, at codon 1089 of the COL5A1 protein (p.Pro1089Leu). This variant is not present in population databases (gnomAD no frequency). This variant has not been reported in the literature in individuals affected with COL5A1-related conditions. Invitae Evidence Modeling of protein sequence and biophysical properties (such as structural, functional, and spatial information, amino acid conservation, physicochemical variation, residue mobility, and thermodynamic stability) indicates that this missense variant is not expected to disrupt COL5A1 protein function with a negative predictive value of 80%. In summary, the available evidence is currently insufficient to determine the role of this variant in disease. Therefore, it has been classified as a Variant of Uncertain Significance.

NM_000093.5(COL5A1):c.3266C>T (p.Pro1089Leu)

Gene: COL5A1 (collagen type V alpha 1 chain; plus strand). Cytogenetic location: 9q34.3.
Variant type: single nucleotide variant.
Coding change: c.3266C>T on transcript NM_000093.5 (MANE Select); coding-DNA position 3266, C replaced by T.
Protein change: p.Pro1089Leu; replaces proline 1089 with leucine.
Molecular consequence: missense variant.
Genome position (GRCh38, 1-based): chr9:134,806,196, C>T. VCF-style: chr9-134806196-C-T. GRCh37 (hg19) VCF-style: chr9-137698042-C-T.
Other names: c.3266C>T, p.Pro1089Leu (NM_001278074.1); short protein forms P1089L.
Identifiers: ClinVar variation 4779138 (VCV004779138.1).